The following is an entry in ClinVar:

ClinVar aggregate classification (germline): Pathogenic. Review status: criteria provided, single submitter (1 of 4 stars). 2 submissions from 2 submitters: Pathogenic (1). 1 of the submissions does not count toward it. Last evaluated 2021-11-04.
ClinVar aggregate classification (somatic clinical impact): Tier I - Strong (1 of 4 stars; one submission).
ClinVar aggregate classification (oncogenicity): Likely oncogenic (1 of 4 stars; one submission).

Conditions:
Abnormal cardiovascular system morphology. Also called: Abnormality of cardiovascular system morphology. Identifiers: MedGen C4049796, HP:0030680.
Cowden syndrome (CS). Also called: Cowden's disease; Cowden's syndrome; Cowden disease. Identifiers: Orphanet 201, MedGen C0018553, MONDO:0016063. Disease mechanism: gain of function.
Diffuse pediatric-type high-grade glioma, H3-wildtype and IDH-wildtype. Identifiers: MedGen C5669918, MONDO:0858939.
Neoplasm. Also called: tumor; Neoplasms; Neoplasm (disease). Identifiers: MedGen C0027651, MeSH D009369, MONDO:0005070, HP:0002664.

Submissions (4):

Center for Genomic Medicine, Rigshospitalet, Copenhagen University Hospital
Classification: Likely oncogenic for Neoplasm. Last evaluated: 2025-12-29. Review status: criteria provided, single submitter. Criteria: ClinGen/CGC/VICC Guidelines for Oncogenicity, 2022. Collection method: clinical testing. Allele origin: somatic. Affected: yes.

Institute for Genomic Medicine (IGM) Clinical Laboratory, Nationwide Children's Hospital
Classification: Tier I - Strong for Diffuse pediatric-type high-grade glioma, H3-wildtype and IDH-wildtype. Assertion type: diagnostic. Clinical significance: supports diagnosis. Last evaluated: 2023-03-20. Review status: criteria provided, single submitter. Criteria: AMP/ASCO/CAP Guidelines, 2017. Collection method: clinical testing. Allele origin: somatic. Affected: yes.
Comment: Variant has Tier I (strong) clinical significance as a diagnostic inclusion criterion in diffuse pediatric-type high-grade glioma, H3-wildtype and IDH-wildtype, based on the following evidence: 1) Documented in one or more cancer databases (e.g., St. Jude Pecan, COSMIC, CIViC, OncoKB). 2) Appears in one or more well-established professional guidelines (e.g., World Health Organization [WHO]; National Comprehensive Cancer Network [NCCN]) as providing diagnostic, prognostic, or therapeutic information (PMIDs: 24705251, 29763623, 28912153, 28966033, 25219808). 3) Information in the literature supports potential biologic effect of variant (PMID: 31996845). 4) Diagnostic for a specific tumor type/classification based on well-powered studies with expert-level consensus (Evidence Level B; PMIDs: 24705251, 29763623, 28912153, 28966033, 25219808).

Labcorp Genetics (formerly Invitae), Labcorp
Classification: Pathogenic for Cowden syndrome. Last evaluated: 2021-11-04. Review status: criteria provided, single submitter. Criteria: Invitae Variant Classification Sherloc (09022015). Collection method: clinical testing. Allele origin: germline.
Comment: For these reasons, this variant has been classified as Pathogenic. This variant disrupts the p.Tyr1021 amino acid residue in PIK3CA. Other variant(s) that disrupt this residue have been observed in individuals with PIK3CA-related conditions (PMID: 27631024, 28151489; Invitae), which suggests that this may be a clinically significant amino acid residue. Advanced modeling of protein sequence and biophysical properties (such as structural, functional, and spatial information, amino acid conservation, physicochemical variation, residue mobility, and thermodynamic stability) performed at Invitae indicates that this missense variant is expected to disrupt PIK3CA protein function. ClinVar contains an entry for this variant (Variation ID: 376246). This missense change has been observed in individuals with a spectrum of overgrowth conditions (PMID: 22729224, 28151489; Invitae). This variant is not present in population databases (gnomAD no frequency). This sequence change replaces tyrosine, which is neutral and polar, with cysteine, which is neutral and slightly polar, at codon 1021 of the PIK3CA protein (p.Tyr1021Cys).

MAGI's Lab - Research, MAGI Group
Classification: Pathogenic for Abnormal cardiovascular system morphology. Review status: no assertion criteria provided. Collection method: provider interpretation. Allele origin: somatic. Affected: yes. Not counted in ClinVar's aggregate classification.

Literature cited by the submitters: PubMed 29533785 (cited by Center for Genomic Medicine, Rigshospitalet, Copenhagen University Hospital); PubMed 24705251 (cited by Institute for Genomic Medicine (IGM) Clinical Laboratory, Nationwide Children's Hospital); PubMed 29763623 (cited by Institute for Genomic Medicine (IGM) Clinical Laboratory, Nationwide Children's Hospital); PubMed 28912153 (cited by Institute for Genomic Medicine (IGM) Clinical Laboratory, Nationwide Children's Hospital); PubMed 28966033 (cited by Institute for Genomic Medicine (IGM) Clinical Laboratory, Nationwide Children's Hospital); PubMed 25219808 (cited by Institute for Genomic Medicine (IGM) Clinical Laboratory, Nationwide Children's Hospital); PubMed 31996845 (cited by Institute for Genomic Medicine (IGM) Clinical Laboratory, Nationwide Children's Hospital); PubMed 27631024 (cited by Labcorp Genetics (formerly Invitae), Labcorp); PubMed 28151489 (cited by Labcorp Genetics (formerly Invitae), Labcorp); PubMed 22729224 (cited by Labcorp Genetics (formerly Invitae), Labcorp).

NM_006218.4(PIK3CA):c.3062A>G (p.Tyr1021Cys)

Gene: PIK3CA (phosphatidylinositol-4,5-bisphosphate 3-kinase catalytic subunit alpha; plus strand). Cytogenetic location: 3q26.32.
Variant type: single nucleotide variant.
Coding change: c.3062A>G on transcript NM_006218.4 (MANE Select); coding-DNA position 3062, A replaced by G.
Protein change: p.Tyr1021Cys; replaces tyrosine 1021 with cysteine.
Molecular consequence: missense variant.
Genome position (GRCh38, 1-based): chr3:179,234,219, A>G. VCF-style: chr3-179234219-A-G. GRCh37 (hg19) VCF-style: chr3-178952007-A-G.
Other names: short protein forms Y1021C.
Identifiers: ClinVar variation 376246 (VCV000376246.11), dbSNP rs121913288, ClinGen allele CA16602699.
Genomic context (GRCh38, chr3:179,234,219, plus strand): 5'-TTTTCTCAATGATGCTTGGCTCTGGAATGCCAGAACTACAATCTTTTGATGACATTGCAT[A>G]CATTCGAAAGACCCTAGCCTTAGATAAAACTGAGCAAGAGGCTTTGGAGTATTTCATGAA-3'
Protein context (NP_006209.2, residues 1011-1031): PELQSFDDIA[Tyr1021Cys]IRKTLALDKT